The following is an entry in ClinVar:

ClinVar aggregate classification (germline): Benign (1 of 4 stars; one submission).

Conditions:
Pyridoxine-dependent epilepsy (EPEO4). Also called: Pyridoxine-Dependent Epilepsy - ALDH7A1; PYRIDOXINE DEPENDENCY WITH SEIZURES; EPILEPSY, EARLY-ONSET, 4, VITAMIN B6-DEPENDENT; Pyridoxine-Dependent Seizures. Identifiers: Orphanet 3006, MedGen C1849508, MONDO:0009945, OMIM 266100. Disease mechanism: loss of function.

Allele frequency attached by ClinVar (database versions not stated): 1000 Genomes Project 30x 0.39678; 1000 Genomes Project 0.40096; TOPMed 0.38873.

Submission:

Illumina Laboratory Services, Illumina
Classification: Benign for Pyridoxine-dependent epilepsy. Last evaluated: 2018-01-12. Review status: criteria provided, single submitter. Criteria: ICSL Variant Classification Criteria 13 December 2019. Collection method: clinical testing. Allele origin: germline.
Comment: This variant was observed in the ICSL laboratory as part of a predisposition screen in an ostensibly healthy population. It had not been previously curated by ICSL or reported in the Human Gene Mutation Database (HGMD: prior to June 1st, 2018), and was therefore a candidate for classification through an automated scoring system. Utilizing variant allele frequency, disease prevalence and penetrance estimates, and inheritance mode, an automated score was calculated to assess if this variant is too frequent to cause the disease. Based on the score and internal cut-off values, a variant classified as benign is not then subjected to further curation. The score for this variant resulted in a classification of benign for this disease.

NM_001182.5(ALDH7A1):c.*818G>A

Gene: ALDH7A1 (aldehyde dehydrogenase 7 family member A1; minus strand). Cytogenetic location: 5q23.2.
Variant type: single nucleotide variant.
Coding change: c.*818G>A on transcript NM_001182.5 (MANE Select); 818 bases downstream of the stop codon, G replaced by A.
Molecular consequence: 3 prime UTR variant.
Genome position (GRCh38, 1-based): chr5:126,544,147, C>T on the plus strand (G>A on the coding strand, the complement: ALDH7A1 is on the minus strand). VCF-style: chr5-126544147-C-T. GRCh37 (hg19) VCF-style: chr5-125879839-C-T.
Other names: c.*818G>A (NM_001201377.2, NM_001202404.2).
Identifiers: ClinVar variation 350570 (VCV000350570.5), dbSNP rs1138005, ClinGen allele CA10620008.